The following is an entry in ClinVar:

ClinVar aggregate classification (germline): Uncertain significance (1 of 4 stars; one submission).

Conditions:
Ehlers-Danlos syndrome, classic type, 1 (EDSCL1). Also called: EHLERS-DANLOS SYNDROME, GRAVIS TYPE; EHLERS-DANLOS SYNDROME, SEVERE CLASSIC TYPE; Ehlers-Danlos syndrome, type 1; Ehlers-Danlos Syndrome, Classic Type, COL5A1-Related; EDS I. Identifiers: MedGen C0268335, MONDO:0019567, OMIM 130000.

Submission:

Labcorp Genetics (formerly Invitae), Labcorp
Classification: Uncertain significance for Ehlers-Danlos syndrome, classic type, 1. Last evaluated: 2021-08-12. Review status: criteria provided, single submitter. Criteria: Invitae Variant Classification Sherloc (09022015). Collection method: clinical testing. Allele origin: germline.
Comment: This variant has not been reported in the literature in individuals affected with COL5A2-related conditions. This sequence change replaces proline with leucine at codon 460 of the COL5A2 protein (p.Pro460Leu). The proline residue is highly conserved and there is a moderate physicochemical difference between proline and leucine. This variant is not present in population databases (ExAC no frequency). Advanced modeling of protein sequence and biophysical properties (such as structural, functional, and spatial information, amino acid conservation, physicochemical variation, residue mobility, and thermodynamic stability) performed at Invitae indicates that this missense variant is not expected to disrupt COL5A2 protein function. In summary, the available evidence is currently insufficient to determine the role of this variant in disease. Therefore, it has been classified as a Variant of Uncertain Significance.

NM_000393.5(COL5A2):c.1379C>T (p.Pro460Leu)

Gene: COL5A2 (collagen type V alpha 2 chain; minus strand). Cytogenetic location: 2q32.2.
Variant type: single nucleotide variant.
Coding change: c.1379C>T on transcript NM_000393.5 (MANE Select); coding-DNA position 1379, C replaced by T.
Protein change: p.Pro460Leu; replaces proline 460 with leucine.
Molecular consequence: missense variant.
Genome position (GRCh38, 1-based): chr2:189,068,037, G>A on the plus strand (C>T on the coding strand, the complement: COL5A2 is on the minus strand). VCF-style: chr2-189068037-G-A. GRCh37 (hg19) VCF-style: chr2-189932763-G-A.
Other names: short protein forms P460L.
Identifiers: ClinVar variation 1411030 (VCV001411030.6), dbSNP rs2105603424, ClinGen allele CA349852632.